The following is an entry in ClinVar:

NM_004646.4(NPHS1):c.907G>A (p.Val303Met)

Gene: NPHS1 (NPHS1 adhesion molecule, nephrin; minus strand). Cytogenetic location: 19q13.12.
Variant type: single nucleotide variant.
Coding change: c.907G>A on transcript NM_004646.4 (MANE Select); coding-DNA position 907, G replaced by A.
Protein change: p.Val303Met; replaces valine 303 with methionine.
Molecular consequence: missense variant.
Genome position (GRCh38, 1-based): chr19:35,849,081, C>T on the plus strand (G>A on the coding strand, the complement: NPHS1 is on the minus strand). VCF-style: chr19-35849081-C-T. GRCh37 (hg19) VCF-style: chr19-36339983-C-T.
Other names: short protein forms V303M.
Identifiers: ClinVar variation 5003812 (VCV005003812.1).

ClinVar aggregate classification (germline): Uncertain significance (1 of 4 stars; one submission).

Conditions:
Finnish congenital nephrotic syndrome (NPHS1). Also called: NEPHROTIC SYNDROME, TYPE 1. Identifiers: Orphanet 839, MedGen C0403399, MONDO:0009732, OMIM 256300.

Submission:

Myriad Genetics, Inc.
Classification: Uncertain significance for Finnish congenital nephrotic syndrome. Last evaluated: 2026-03-02. Review status: criteria provided, single submitter. Criteria: Myriad Autosomal Dominant, Autosomal Recessive and X-Linked Classification Criteria (2023). Collection method: clinical testing. Allele origin: unknown.
Comment: NM_004646.3(NPHS1):c.907G>A(V303M) is a missense variant classified as a variant of uncertain significance in the context of nephrotic syndrome, NPHS1-related. V303M has not been observed in cases with relevant disease. Relevant functional assessments of this variant are not available in the literature. V303M has been observed in referenced population frequency databases. In summary, there is insufficient evidence to classify NM_004646.3(NPHS1):c.907G>A(V303M) as pathogenic or benign. Please note: this variant was assessed in the context of healthy population screening.